The following is an entry in ClinVar:

NM_014780.5(CUL7):c.3136del (p.Leu1046fs)

Gene: CUL7 (cullin 7; minus strand). Cytogenetic location: 6p21.1.
Variant type: Deletion.
Coding change: c.3136del on transcript NM_014780.5 (MANE Select); coding-DNA position 3136, one base deleted (C; older notation c.3136delC).
Protein change: p.Leu1046fs; shifts the reading frame from leucine 1046.
Molecular consequence: frameshift variant.
Genome position (GRCh38, 1-based): chr6:43,044,788, G deleted on the plus strand (C on the coding strand, the reverse complement: CUL7 is on the minus strand); the first of 3 consecutive G bases (chr6:43,044,788-43,044,790); deleting any one gives the same sequence. VCF-style (leftmost placement, unchanged base first): chr6-43044787-AG-A. GRCh37 (hg19) VCF-style: chr6-43012525-AG-A.
Other names: c.3232del, p.Leu1078fs (NM_001168370.2, NM_001374872.1); c.3136del, p.Leu1046fs (NM_001374873.1, NM_001374874.1); short protein forms L1046fs, L1078fs.
Identifiers: ClinVar variation 2734865 (VCV002734865.5), dbSNP rs1490219553, ClinGen allele CA450260179.

ClinVar aggregate classification (germline): Pathogenic. Review status: criteria provided, multiple submitters, no conflicts (2 of 4 stars). 3 submissions from 3 submitters: Pathogenic (3). Last evaluated 2025-10-21.

Conditions:
3M syndrome 1. Also called: 3-M Syndrome, CUL7-Related. Identifiers: Orphanet 2616, MedGen C2678312, MONDO:0010117, OMIM 273750.
CUL7-related disorder. Also called: CUL7-related condition.

Submissions (3):

Labcorp Genetics (formerly Invitae), Labcorp
Classification: Pathogenic. Last evaluated: 2025-10-21. Review status: criteria provided, single submitter. Criteria: Invitae Variant Classification Sherloc (09022015). Collection method: clinical testing. Allele origin: germline.
Comment: This sequence change creates a premature translational stop signal (p.Leu1046Trpfs*95) in the CUL7 gene. It is expected to result in an absent or disrupted protein product. Loss-of-function variants in CUL7 are known to be pathogenic (PMID: 16142236, 17675530, 19225462). This variant is not present in population databases (gnomAD no frequency). This premature translational stop signal has been observed in individual(s) with 3-M syndrome (PMID: 16142236, 34597859). ClinVar contains an entry for this variant (Variation ID: 2734865). For these reasons, this variant has been classified as Pathogenic.

OLLIN Analises Genomicas, OLLIN
Classification: Pathogenic for 3M syndrome 1. Last evaluated: 2025-08-07. Review status: criteria provided, single submitter. Criteria: ACMG Guidelines 2015 PMID 25741868. Collection method: clinical testing. Allele origin: germline. Affected: yes. Observed: 1 variant allele.
Comment: The frameshift variant (chr6:43044787AG>A), located in exon 16 (of 26), is reported in ClinVar (VCV002734865.3), in gnomAD v4.1 non-UKB with an allele frequency of 0.00048% (no homozygotes), and in the scientific literature, both in homozygous and compound heterozygous states, in individuals with 3-M syndrome (PMID: 16142236, 34597859). This variant promotes a frameshift with subsequent introduction of a premature stop codon, resulting in a truncated protein or mRNA degradation via nonsense-mediated decay (NMD). According to currently available evidence, this variant has been classified as pathogenic (PVS1, PM2_P, PM3).

Blueprint Genetics
Classification: Pathogenic for CUL7-related disorders. Last evaluated: 2023-11-23. Review status: criteria provided, single submitter. Criteria: ACMG Guidelines, 2015. Collection method: clinical testing. Allele origin: germline. Affected: yes. Observed: 2 variant alleles.

Literature cited by the submitters: PubMed 16142236 (cited by Labcorp Genetics (formerly Invitae), Labcorp and OLLIN Analises Genomicas, OLLIN); PubMed 17675530 (cited by Labcorp Genetics (formerly Invitae), Labcorp); PubMed 19225462 (cited by Labcorp Genetics (formerly Invitae), Labcorp); PubMed 34597859 (cited by Labcorp Genetics (formerly Invitae), Labcorp and OLLIN Analises Genomicas, OLLIN).